The following is an entry in ClinVar:

NM_006343.3(MERTK):c.2399C>T (p.Pro800Leu)

Gene: MERTK (MER proto-oncogene, tyrosine kinase; plus strand). Cytogenetic location: 2q13.
Variant type: single nucleotide variant.
Coding change: c.2399C>T on transcript NM_006343.3 (MANE Select); coding-DNA position 2399, C replaced by T.
Protein change: p.Pro800Leu; replaces proline 800 with leucine.
Molecular consequence: missense variant.
Genome position (GRCh38, 1-based): chr2:112,022,307, C>T. VCF-style: chr2-112022307-C-T. GRCh37 (hg19) VCF-style: chr2-112779884-C-T.
Other names: c.2399C>T (NM_006343.2); short protein forms P800L.
Identifiers: ClinVar variation 2800982 (VCV002800982.3), dbSNP rs1294863243, ClinGen allele CA348240059.
Genomic context (GRCh38, chr2:112,022,307, plus strand): 5'-TTTGTTCCCAGTGGGCATTTGGCGTGACCATGTGGGAAATAGCTACGCGGGGAATGACTC[C>T]CTATCCTGGGGTCCAGAACCATGAGATGTATGACTATCTTCTCCATGGCCACAGGTTGAA-3'
Protein context (NP_006334.2, residues 790-810): MWEIATRGMT[Pro800Leu]YPGVQNHEMY

ClinVar aggregate classification (germline): Uncertain significance. Review status: criteria provided, multiple submitters, no conflicts (2 of 4 stars). 2 submissions from 2 submitters: Uncertain significance (2). Last evaluated 2025-12-08.

Conditions:
Inborn genetic diseases. Identifiers: MedGen C0950123, MeSH D030342.

Allele frequency attached by ClinVar (database versions not stated): TOPMed below 0.00001; gnomAD exomes below 0.00001.
gnomAD v4.1: 1 of 1,614,208 alleles (0.000062%); highest among the groups gnomAD compares: Non-Finnish European, 0.000085%; no homozygotes.

Submissions (2):

Ambry Genetics
Classification: Uncertain significance for Inborn genetic diseases. Last evaluated: 2025-12-08. Review status: criteria provided, single submitter. Criteria: Ambry Variant Classification Scheme 2023. Collection method: clinical testing. Allele origin: germline.

Labcorp Genetics (formerly Invitae), Labcorp
Classification: Uncertain significance. Last evaluated: 2022-11-17. Review status: criteria provided, single submitter. Criteria: Invitae Variant Classification Sherloc (09022015). Collection method: clinical testing. Allele origin: germline.
Comment: This sequence change replaces proline, which is neutral and non-polar, with leucine, which is neutral and non-polar, at codon 800 of the MERTK protein (p.Pro800Leu). In summary, the available evidence is currently insufficient to determine the role of this variant in disease. Therefore, it has been classified as a Variant of Uncertain Significance. Advanced modeling of protein sequence and biophysical properties (such as structural, functional, and spatial information, amino acid conservation, physicochemical variation, residue mobility, and thermodynamic stability) performed at Invitae indicates that this missense variant is expected to disrupt MERTK protein function. This variant has not been reported in the literature in individuals affected with MERTK-related conditions. This variant is not present in population databases (gnomAD no frequency).